The following is an entry in ClinVar:

ClinVar aggregate classification (germline): Pathogenic. Review status: criteria provided, multiple submitters, no conflicts (2 of 4 stars). 15 submissions from 15 submitters: Pathogenic (14). 1 of the submissions does not count toward it. Last evaluated 2026-07-31.

Conditions:
CBS-related disorder. Also called: CBS-related condition.
Inborn errors of metabolism. Also called: Inborn error of metabolism. Identifiers: Orphanet 68367, MedGen C0025521, MONDO:0019052.
Homocystinuria. Identifiers: MedGen C0019880, MONDO:0004737, HP:0002156.
Familial thoracic aortic aneurysm and aortic dissection (TAAD). Also called: Thoracic aortic aneurysms and dissections. Identifiers: Orphanet 91387, MedGen C4707243, MONDO:0019625.
Classic homocystinuria. Also called: Homocystinuria due to Cystathionine Beta-Synthase Deficiency; Homocystinuria due to CBS deficiency; Cystathionine beta-synthase deficiency; CBS deficiency; HOMOCYSTINURIA WITH OR WITHOUT RESPONSE TO PYRIDOXINE. Identifiers: Orphanet 394, MedGen C0751202, MONDO:0009352, OMIM 236200.
HYPERHOMOCYSTEINEMIA, THROMBOTIC, CBS-RELATED. Identifiers: MedGen C3150344, OMIM 236200.

Allele frequency attached by ClinVar (database versions not stated): gnomAD exomes 0.00001; TOPMed 0.00001; ExAC 0.00002; gnomAD 0.00003.

Submissions (15):

North West Genomic Laboratory Hub, Manchester University NHS Foundation Trust
Classification: Pathogenic for Inborn error of metabolism. Last evaluated: 2026-07-31. Review status: criteria provided, single submitter. Criteria: ACGS Best Practice Guidelines for Variant Classification in Rare Disease 2024. Collection method: clinical testing. Allele origin: germline. Affected: yes.
Comment: PP4_Mod PP3_Supp PM5_Supp PM2_Mod PM3_Mod PS3_Mod

Labcorp Genetics (formerly Invitae), Labcorp
Classification: Pathogenic for HYPERHOMOCYSTEINEMIA, THROMBOTIC, CBS-RELATED. Last evaluated: 2026-01-28. Review status: criteria provided, single submitter. Criteria: Invitae Variant Classification Sherloc (09022015). Collection method: clinical testing. Allele origin: germline.
Comment: This sequence change replaces arginine, which is basic and polar, with glutamine, which is neutral and polar, at codon 125 of the CBS protein (p.Arg125Gln). This variant is present in population databases (rs781444670, gnomAD 0.005%). This missense change has been observed in individuals with homocystinuria (PMID: 7849717, 9587029, 10338090, 12124992, 21520339). It has also been observed to segregate with disease in related individuals. ClinVar contains an entry for this variant (Variation ID: 197625). Invitae Evidence Modeling of protein sequence and biophysical properties (such as structural, functional, and spatial information, amino acid conservation, physicochemical variation, residue mobility, and thermodynamic stability) indicates that this missense variant is expected to disrupt CBS protein function with a positive predictive value of 95%. Experimental studies have shown that this missense change affects CBS function (PMID: 7849717, 20308073, 20506325, 22612060). For these reasons, this variant has been classified as Pathogenic.

Natera, Inc.
Classification: Pathogenic for Homocystinuria due to cystathionine beta-synthase deficiency. Last evaluated: 2025-10-10. Review status: criteria provided, single submitter. Criteria: Natera Variant Classification Schema (03/2026). Collection method: clinical testing. Allele origin: germline.
Comment: The c.374G>A variant in CBS is a missense variant predicted to cause substitution of arginine to glutamine at amino acid 125. This variant is rare in the general population with a frequency below the threshold expected for the associated phenotype(s). This variant has been observed in one or more individuals affected with the associated recessive disease, as either homozygous or compound heterozygous with a second variant (PMID: 29508359, 21520339). Given the available evidence, this variant is classified as Pathogenic.

CeGaT Center for Human Genetics Tuebingen
Classification: Pathogenic. Last evaluated: 2025-09-01. Review status: criteria provided, single submitter. Criteria: CeGaT Center For Human Genetics Tuebingen Variant Classification Criteria Version 2. Collection method: clinical testing. Allele origin: germline. Affected: yes. Observed: 1 variant allele.
Comment: CBS: PM1, PM2, PM3, PM5, PP4, PS3:Supporting

GeneDx
Classification: Pathogenic. Last evaluated: 2024-12-10. Review status: criteria provided, single submitter. Criteria: GeneDx Variant Classification Process June 2021. Collection method: clinical testing. Allele origin: germline. Affected: yes.
Comment: Identified in the homozygous state and in trans with a second frameshift variant in CBS in patients with classic homocystinuria in published literature (PMID: 7849717, 29508359); Not observed at significant frequency in large population cohorts (gnomAD); Published functional studies demonstrate a damaging effect as the p.(R125Q) variant reduces enzyme activity and decreases the stability of the protein (PMID: 20506325, 7849717, 22612060); In silico analysis supports that this missense variant has a deleterious effect on protein structure/function; This variant is associated with the following publications: (PMID: 20506325, 7849717, 22612060, 31589614, 36246604, 35658358, 29508359)

Ambry Genetics
Classification: Pathogenic for Familial thoracic aortic aneurysm and aortic dissection. Last evaluated: 2024-11-22. Review status: criteria provided, single submitter. Criteria: Ambry Variant Classification Scheme 2023. Collection method: clinical testing. Allele origin: germline.
Comment: The p.R125Q pathogenic mutation (also known as c.374G>A), located in coding exon 3 of the CBS gene, results from a G to A substitution at nucleotide position 374. The arginine at codon 125 is replaced by glutamine, an amino acid with highly similar properties. This variant has been identified in the homozygous state and/or in conjunction with other CBS variant(s) in individual(s) with features consistent with homocystinuria; in at least one instance, the variants were identified in trans (Marble M et al. Hum Mol Genet, 1994 Oct;3:1883-6; Sebastio G et al. Am J Hum Genet, 1995 Jun;56:1324-33; Kraus JP et al. Hum Mutat, 1999;13:362-75; Gaustadnes M et al. Hum Mutat, 2002 Aug;20:117-26; Moat SJ et al. Hum Mutat, 2004 Feb;23:206; Maillot F et al. J Med Case Rep, 2008 Apr;2:113; Cozar M et al. Hum Mutat, 2011 Jul;32:835-42; Li DX et al. World J Pediatr, 2018 Apr;14:197-203). In multiple assays testing CBS function, this variant showed functionally abnormal results (Marble M et al. Hum Mol Genet, 1994 Oct;3:1883-6; Majtan T et al. J Biol Chem, 2010 May;285:15866-73). This variant is considered to be rare based on population cohorts in the Genome Aggregation Database (gnomAD). In addition, this alteration is predicted to be deleterious by in silico analysis. Based on the supporting evidence, this variant is interpreted as a disease-causing mutation.

Blueprint Genetics
Classification: Pathogenic for CBS-related disorders. Last evaluated: 2024-08-15. Review status: criteria provided, single submitter. Criteria: ACMG Guidelines, 2015. Collection method: clinical testing. Allele origin: germline. Affected: yes. Observed: 4 variant alleles.

Baylor Genetics
Classification: Pathogenic for Classic homocystinuria. Last evaluated: 2023-12-24. Review status: criteria provided, single submitter. Criteria: ACMG Guidelines, 2015. Collection method: clinical testing. Allele origin: unknown.

Mayo Clinic Laboratories, Mayo Clinic
Classification: Pathogenic. Last evaluated: 2023-05-03. Review status: criteria provided, single submitter. Criteria: ACMG Guidelines, 2015. Collection method: clinical testing. Allele origin: germline. Observed: 1 variant allele.
Comment: PP3, PM1, PM2_supporting, PM3_strong, PS3, PS4

Women's Health and Genetics/Laboratory Corporation of America, LabCorp
Classification: Pathogenic for Homocystinuria. Last evaluated: 2021-12-10. Review status: criteria provided, single submitter. Criteria: LabCorp Variant Classification Summary - May 2015. Collection method: clinical testing. Allele origin: germline.
Comment: Variant summary: CBS c.374G>A (p.Arg125Gln) results in a non-conservative amino acid change located in the Pyridoxal-phosphate dependent enzyme domain (IPR001926), specifically in the Cysteine synthase/cystathionine beta-synthase, pyridoxal-phosphate attachment site (IPR001216) of the encoded protein sequence. Four of five in-silico tools predict a damaging effect of the variant on protein function. The variant allele was found at a frequency of 8e-06 in 251098 control chromosomes. c.374G>A has been reported in the literature in multiple individuals affected with Homocystinuria (example: Marble_1994, Gaustadnes_2002, Moat_2004, Melenovska_2015, Li_2018). These data indicate that the variant is very likely to be associated with disease. At least three publications report experimental evidence evaluating an impact on protein function (example: Marble_1994, Melenovska_2015, Hnizda_2012). The most pronounced variant effect results in 2% enzymatic activity from transformed E. coli sourced protein (Marble_1994). Protein derived from CHO-K1 mammalian cells showed modest improvement at ~14% enzymatic activity (Melenovska_2015), although still less than 20% of normal wild-type CBS. Five ClinVar submitters have assessed the variant since 2014: one classified the variant as likely pathogenic and four as pathogenic. Based on the evidence outlined above, the variant was classified as pathogenic.

Genome-Nilou Lab
Classification: Pathogenic for Classic homocystinuria. Last evaluated: 2021-07-22. Review status: criteria provided, single submitter. Criteria: ACMG Guidelines, 2015. Collection method: clinical testing. Allele origin: germline. Affected: no.

Revvity Omics, Revvity
Classification: Pathogenic for Classic homocystinuria. Last evaluated: 2020-08-14. Review status: criteria provided, single submitter. Criteria: ACMG Guidelines, 2015. Collection method: clinical testing. Allele origin: germline.

Eurofins Ntd Llc (ga)
Classification: Pathogenic. Last evaluated: 2014-11-20. Review status: criteria provided, single submitter. Criteria: EGL Classification Definitions 2015. Collection method: clinical testing. Allele origin: germline. Observed: 2 variant alleles, 2 heterozygotes.

Juno Genomics, Hangzhou Juno Genomics, Inc
Classification: Pathogenic for Classic homocystinuria. Review status: criteria provided, single submitter. Criteria: ACMG Guidelines, 2015. Collection method: clinical testing. Allele origin: germline. Affected: yes.
Comment: Absent from controls (or at extremely low frequency if recessive) in Genome Aggregation Database, Exome Sequencing Project, 1000 Genomes Project, or Exome Aggregation Consortium.;For recessive disorders, detected in trans with a pathogenic variant.;Co-segregation with disease in multiple affected family members in a gene definitively known to cause the disease.;Well-established in vitro or in vivo functional studies supportive of a damaging effect on the gene or gene product.

Counsyl
Classification: Likely pathogenic for Classic homocystinuria. Last evaluated: 2017-04-27. Review status: no assertion criteria provided. Collection method: clinical testing. Allele origin: unknown. Not counted in ClinVar's aggregate classification.

Literature cited by the submitters: PubMed 7849717 (cited by 5 submitters); PubMed 9587029 (cited by Labcorp Genetics (formerly Invitae), Labcorp); PubMed 10338090 (cited by 3 submitters); PubMed 12124992 (cited by 5 submitters); PubMed 21520339 (cited by 5 submitters); PubMed 20308073 (cited by 3 submitters); PubMed 20506325 (cited by Labcorp Genetics (formerly Invitae), Labcorp and Mayo Clinic Laboratories, Mayo Clinic); PubMed 22612060 (cited by 4 submitters); PubMed 29508359 (cited by 3 submitters); PubMed 14722927 (cited by 4 submitters); PubMed 18423051 (cited by 3 submitters); PubMed 7762555 (cited by 3 submitters); PubMed 25331909 (cited by 3 submitters); PubMed 20490928 (cited by Counsyl).

NM_000071.3(CBS):c.374G>A (p.Arg125Gln)

Gene: CBS (cystathionine beta-synthase; minus strand). Cytogenetic location: 21q22.3.
Variant type: single nucleotide variant.
Coding change: c.374G>A on transcript NM_000071.3 (MANE Select); coding-DNA position 374, G replaced by A.
Protein change: p.Arg125Gln; replaces arginine 125 with glutamine.
Molecular consequence: missense variant.
Genome position (GRCh38, 1-based): chr21:43,066,320, C>T on the plus strand (G>A on the coding strand, the complement: CBS is on the minus strand). VCF-style: chr21-43066320-C-T. GRCh37 (hg19) VCF-style: chr21-44486430-C-T.
Other names: c.374G>A, p.Arg125Gln (NM_001178008.3, NM_001178009.3, NM_001320298.2); c.59G>A, p.Arg20Gln (NM_001321072.1); short protein forms R125Q, R20Q.
Identifiers: ClinVar variation 197625 (VCV000197625.41), dbSNP rs781444670, ClinGen allele CA275291.
Genomic context (GRCh38, chr21:43,066,320, plus strand): 5'-GGCTCGATAATCGTGTCCCCGGGCTTCAGCGTCCCGTCGCGCTCAGCATCCTCAATCATC[C>T]GCAGGCTGATGCGGTCCTTCACGCTCCCGCCCGCGTTGAAGAACTCACACTTGGCCACTG-3'
Protein context (NP_000062.1, residues 115-135): GGSVKDRISL[Arg125Gln]MIEDAERDGT